The following is an entry in ClinVar:

ClinVar aggregate classification (germline): Uncertain significance (1 of 4 stars; one submission).

Submission:

GeneDx
Classification: Uncertain significance. Last evaluated: 2025-03-11. Review status: criteria provided, single submitter. Criteria: GeneDx Variant Classification Process June 2021. Collection method: clinical testing. Allele origin: germline. Affected: yes.
Comment: Not observed at significant frequency in large population cohorts (gnomAD); In silico analysis indicates that this missense variant does not alter protein structure/function; Has not been previously published as pathogenic or benign to our knowledge

NM_021964.3(ZNF148):c.315G>T (p.Gln105His)

Gene: ZNF148 (zinc finger protein 148; minus strand). Cytogenetic location: 3q21.2.
Variant type: single nucleotide variant.
Coding change: c.315G>T on transcript NM_021964.3 (MANE Select); coding-DNA position 315, G replaced by T.
Protein change: p.Gln105His; replaces glutamine 105 with histidine.
Molecular consequence: missense variant.
Genome position (GRCh38, 1-based): chr3:125,313,326, C>A on the plus strand (G>T on the coding strand, the complement: ZNF148 is on the minus strand). VCF-style: chr3-125313326-C-A. GRCh37 (hg19) VCF-style: chr3-125032170-C-A.
Other names: c.315G>T, p.Gln105His (NM_001348424.1, NM_001348425.2, NM_001348426.2 and 9 more transcripts); short protein forms Q105H.
Identifiers: ClinVar variation 4083145 (VCV004083145.1).